The following is an entry in ClinVar:

ClinVar aggregate classification (germline): Uncertain significance (1 of 4 stars; one submission).

Conditions:
Hereditary cancer-predisposing syndrome. Also called: Neoplastic Syndromes, Hereditary; Tumor predisposition; Hereditary Cancer Syndrome; Hereditary neoplastic syndrome. Identifiers: Orphanet 140162, MedGen C0027672, MeSH D009386, MONDO:0015356.

Submission:

Ambry Genetics
Classification: Uncertain significance for Hereditary cancer-predisposing syndrome. Last evaluated: 2021-06-30. Review status: criteria provided, single submitter. Criteria: Ambry Variant Classification Scheme 2023. Collection method: clinical testing. Allele origin: germline.
Comment: The c.1926_1937dup12 variant (also known as p.E645_K646insNFRE), located in coding exon 4 of the MSH6 gene, results from an in-frame duplication of 12 nucleotides at nucleotide positions 1926 to 1937. This amino acid region is not well conserved in available vertebrate species. In addition, this alteration is predicted to be neutral by in silico analysis (Choi Y et al. PLoS ONE. 2012; 7(10):e46688). Since supporting evidence is limited at this time, the clinical significance of this alteration remains unclear.

NM_000179.3(MSH6):c.1926_1937dup (p.Glu645_Lys646insAsnPheArgGlu)

Gene: MSH6 (mutS homolog 6; plus strand). Cytogenetic location: 2p16.3.
Variant type: Duplication.
Coding change: c.1926_1937dup on transcript NM_000179.3 (MANE Select); coding-DNA positions 1926 to 1937, 12 bases duplicated (TTTTAGGGAAAA).
Protein change: p.Glu645_Lys646insAsnPheArgGlu.
Molecular consequence: inframe insertion. On other transcripts: inframe indel (35).
Genome position (GRCh38, 1-based): chr2:47,799,909-47,799,920, TTTTAGGGAAAA duplicated; duplicating any 12 consecutive bases within chr2:47,799,908-47,799,920 gives the same sequence; the c. name uses the placement nearest the transcript's 3' end. VCF-style (leftmost placement, unchanged base first): chr2-47799907-T-TATTTTAGGGAAA. GRCh37 (hg19) VCF-style: chr2-48027046-T-TATTTTAGGGAAA.
Other names: c.1536_1547dup, p.Glu515_Lys516insAsnPheArgGlu (NM_001281492.2); c.1020_1031dup, p.Glu343_Lys344insAsnPheArgGlu (NM_001281493.2, NM_001281494.2, NM_001406811.1 and 6 more transcripts); c.2022_2033dup, p.Glu677_Lys678insAsnPheArgGlu (NM_001406795.1, NM_001406802.1); c.1926_1937dup, p.Glu645_Lys646insAsnPheArgGlu (NM_001406796.1, NM_001406798.1, NM_001406800.1 and 3 more transcripts); c.1629_1640dup, p.Glu546_Lys547insAsnPheArgGlu (NM_001406797.1, NM_001406801.1, NM_001406805.1 and 10 more transcripts); c.1401_1412dup, p.Glu470_Lys471insAsnPheArgGlu (NM_001406799.1, NM_001406806.1, NM_001406807.1); c.1848_1859dup, p.Glu619_Lys620insAsnPheArgGlu (NM_001406804.1); c.1932_1943dup, p.Glu647_Lys648insAsnPheArgGlu (NM_001406813.1); and 2 more.
Identifiers: ClinVar variation 1782763 (VCV001782763.2), dbSNP rs2530638842, ClinGen allele CA2580067731.
Genomic context (GRCh38, chr2:47,799,907, plus strand): 5'-ATACCCGGCTCCCAGTTTTGGGATGCATCCAAAACTTTGAGAACTCTCCTTGAGGAAGAA[T>TATTTTAGGGAAA]ATTTTAGGGAAAAGCTAAGTGATGGCATTGGGGTGATGTTACCCCAGGTGCTTAAAGGTA-3'